The following is an entry in ClinVar:

ClinVar aggregate classification (germline): Likely benign (1 of 4 stars; one submission).

gnomAD v4.1: 324 of 1,613,174 alleles (0.02%); highest among the groups gnomAD compares: African/African-American, 0.4%; no homozygotes.

Submission:

CeGaT Center for Human Genetics Tuebingen
Classification: Likely benign. Last evaluated: 2026-07-01. Review status: criteria provided, single submitter. Criteria: CeGaT Center For Human Genetics Tuebingen Variant Classification Criteria Version 2. Collection method: clinical testing. Allele origin: germline. Affected: yes. Observed: 1 variant allele.
Comment: CUX1: BP4, BP7, BS1

NM_181552.4(CUX1):c.2538G>A (p.Thr846=)

Gene: CUX1 (cut like homeobox 1; plus strand). Cytogenetic location: 7q22.1.
Variant type: single nucleotide variant.
Coding change: c.2538G>A on transcript NM_181552.4 (MANE Select); coding-DNA position 2538, G replaced by A.
Protein change: p.Thr846=; no amino-acid change (threonine 846 retained).
Molecular consequence: synonymous variant. On other transcripts: intron variant (5).
Genome position (GRCh38, 1-based): chr7:102,201,835, G>A. VCF-style: chr7-102201835-G-A. GRCh37 (hg19) VCF-style: chr7-101845115-G-A.
Other names: c.2571G>A, p.Thr857= (NM_001202543.2); c.1255+6232G>A (NM_001913.5); c.1249+6232G>A (NM_181500.4); c.1117+6232G>A (NM_001202545.3); c.1207+6232G>A (NM_001202544.3); c.1138+6232G>A (NM_001202546.3).
Identifiers: ClinVar variation 5038865 (VCV005038865.1).
Genomic context (GRCh38, chr7:102,201,835, plus strand): 5'-CGCGGTGCAGCCGGAGAGAAGAAATGCCGCCTCCTCCGAGGAGGCCAAGGCCGAAGAAAC[G>A]GGCGGCGGGAAAGAGAAGGGCAGCGGTGGCAGCGGAGGTGGCAGCCAGCCTCGGGCCGAG-3'
Protein context (NP_853530.2, residues 836-856): ASSEEAKAEE[Thr846=]GGGKEKGSGG